The following continues an entry in ClinVar:

NM_198253.3(TERT):c.604G>A (p.Ala202Thr)

Gene: TERT. ClinVar aggregate classification (germline): Conflicting classifications of pathogenicity. Uncertain significance (14); Benign (1); Likely benign (3).

Submissions 17 to 25 of 25:

Eurofins Ntd Llc (ga)
Classification: Uncertain significance. Last evaluated: 2017-10-10. Review status: criteria provided, single submitter. Criteria: EGL Classification Definitions 2015. Collection method: clinical testing. Allele origin: germline. Observed: 1 variant allele, 1 heterozygote.

Laboratory for Molecular Medicine, Mass General Brigham Personalized Medicine
Classification: Uncertain significance. Last evaluated: 2017-04-14. Review status: criteria provided, single submitter. Criteria: LMM Criteria. Collection method: clinical testing. Allele origin: germline. Observed: 1 variant allele.
Comment: The p.Ala202Thr (NM_198253.2 c.604G>A) variant in TERT has been reported in hete rozygosity in 2 individuals with clinical features of Dyskeratosis congenita an d related disorders (Yamaguchi 2005; ClinVar Variation ID#12729). It was also id entified in another family and did not segregate with disease ( Vulliamy 2005). This variant has been identified in 0.205% (13/6,346) of Latino chromosomes by t he Exome Aggregation Consortium (ExAC; dbSNP rs1 21918661). In vitro functional studies reportedly suggest that the p.Ala202Thr v ariant may impact protein function (Zaug 2013 and Yamaguchi 2005); however, thes e types of assays may not accurately represent biological function. The amino ac id position is not conserved in mammals and most computational predictions progr ams do not suggest an impact. In summary, the clinical significance of the p.Ala 202Thr variant is uncertain significance.

PreventionGenetics, part of Exact Sciences
Classification: Likely benign for TERT-related condition. Last evaluated: 2022-11-11. Review status: no assertion criteria provided. Collection method: clinical testing. Allele origin: germline. Not counted in ClinVar's aggregate classification.
Comment: This variant is classified as likely benign based on ACMG/AMP sequence variant interpretation guidelines (Richards et al. 2015 PMID: 25741868, with internal and published modifications).

OMIM
Classification: Pathogenic for PULMONARY FIBROSIS AND/OR BONE MARROW FAILURE SYNDROME, TELOMERE-RELATED, 1. Last evaluated: 2005-04-07. Review status: no assertion criteria provided. Collection method: literature only. Allele origin: germline. Not counted in ClinVar's aggregate classification.

Clinical Genetics DNA and cytogenetics Diagnostics Lab, Erasmus MC, Erasmus Medical Center
Classification: Uncertain significance. Review status: no assertion criteria provided. Collection method: clinical testing. Allele origin: germline. Affected: yes. Study: VKGL Data-share Consensus. Not counted in ClinVar's aggregate classification.

Diagnostic Laboratory, Department of Genetics, University Medical Center Groningen
Classification: Uncertain significance. Review status: no assertion criteria provided. Collection method: clinical testing. Allele origin: germline. Affected: yes. Study: VKGL Data-share Consensus. Not counted in ClinVar's aggregate classification.

GeneReviews
No classification provided. Condition: Aplastic anemia. Review status: no classification provided. Collection method: literature only. Allele origin: unknown. Not counted in ClinVar's aggregate classification.

Genome Diagnostics Laboratory, Amsterdam University Medical Center
Classification: Uncertain significance. Review status: no assertion criteria provided. Collection method: clinical testing. Allele origin: germline. Affected: yes. Study: VKGL Data-share Consensus. Not counted in ClinVar's aggregate classification.

Laboratory of Diagnostic Genome Analysis, Leiden University Medical Center (LUMC)
Classification: Uncertain significance. Review status: no assertion criteria provided. Collection method: clinical testing. Allele origin: germline. Affected: yes. Study: VKGL Data-share Consensus. Not counted in ClinVar's aggregate classification.

Literature cited by the submitters: PubMed 30426156 (cited by Center for Genomic Medicine, Rigshospitalet, Copenhagen University Hospital); PubMed 15814878 (cited by 5 submitters); PubMed 15885610 (cited by 4 submitters); PubMed 19561322 (cited by Ambry Genetics and Sema4); PubMed 20858879 (cited by Ambry Genetics); PubMed 22424236 (cited by Ambry Genetics); PubMed 23901009 (cited by 4 submitters); PubMed 28104920 (cited by Sema4); PubMed 30523342 (cited by Sema4); PubMed 27848944 (cited by Sema4); PubMed 23538340 (cited by Illumina Laboratory Services, Illumina); PubMed 23716176 (cited by Illumina Laboratory Services, Illumina); PubMed 19674077 (cited by Illumina Laboratory Services, Illumina); PubMed 20301779 (cited by GeneReviews); NCBI Bookshelf NBK22301 (cited by GeneReviews).